The following is an entry in ClinVar:

ClinVar aggregate classification (germline): Pathogenic (1 of 4 stars; one submission).

Conditions:
Inborn genetic diseases. Identifiers: MedGen C0950123, MeSH D030342.

Submission:

Ambry Genetics
Classification: Pathogenic for Inborn genetic diseases. Last evaluated: 2025-05-23. Review status: criteria provided, single submitter. Criteria: Ambry Variant Classification Scheme 2023. Collection method: clinical testing. Allele origin: germline.
Comment: The c.887_888delACinsG (p.N296Rfs*30) alteration, located in exon 5 (coding exon 4) of the ACTB gene, consists of a deletion of 2 and insertion of 1 nucleotides causing a translational frameshift at position 887 with a predicted alternate stop codon after 30 amino acids. This variant is not expected to trigger nonsense-mediated mRNA decay, and impacts the last 21% of the protein. However, premature stop codons are typically deleterious in nature, and the impacted region is critical for protein function (Ambry internal data). for ACTB-related pleiotropic malformation syndrome; however, its clinical significance for ACTB-associated Baraitser-Winter syndrome and ACTB-related syndromic thrombocytopenia is uncertain. This variant was not reported in population-based cohorts in the Genome Aggregation Database (gnomAD). Based on the available evidence, this alteration is classified as pathogenic.

NM_001101.5(ACTB):c.887_888delinsG (p.Asn296fs)

Gene: ACTB (actin beta; minus strand). Cytogenetic location: 7p22.1.
Variant type: Indel.
Coding change: c.887_888delinsG on transcript NM_001101.5 (MANE Select); coding-DNA positions 887 to 888, AC replaced by G.
Protein change: p.Asn296fs; shifts the reading frame from asparagine 296.
Molecular consequence: frameshift variant.
Genome position (GRCh38, 1-based): chr7:5,528,100-5,528,101, GT replaced by C on the plus strand (AC replaced by G on the coding strand, the reverse complement: ACTB is on the minus strand). VCF-style: chr7-5528100-GT-C. GRCh37 (hg19) VCF-style: chr7-5567731-GT-C.
Other names: short protein forms N296fs.
Identifiers: ClinVar variation 4001551 (VCV004001551.1).